The following is an entry in ClinVar:

NM_001903.5(CTNNA1):c.2008dup (p.Arg670fs)

Gene: CTNNA1 (catenin alpha 1; plus strand). Cytogenetic location: 5q31.2.
Variant type: Duplication.
Coding change: c.2008dup on transcript NM_001903.5 (MANE Select); coding-DNA position 2008, one base duplicated (C; older notation c.2008dupC).
Protein change: p.Arg670fs; shifts the reading frame from arginine 670.
Molecular consequence: frameshift variant.
Genome position (GRCh38, 1-based): chr5:138,929,354, C duplicated; the last of 3 consecutive C bases (chr5:138,929,352-138,929,354); duplicating any one gives the same sequence. VCF-style (leftmost placement, unchanged base first): chr5-138929351-G-GC. GRCh37 (hg19) VCF-style: chr5-138265040-G-GC.
Other names: c.2008dup, p.Arg670fs (NM_001290307.3, NM_001323982.2, NM_001323983.1 and 2 more transcripts); c.1699dup, p.Arg567fs (NM_001290309.3); c.1639dup, p.Arg547fs (NM_001290310.3); c.898dup, p.Arg300fs (NM_001290312.1, NM_001323987.1, NM_001323988.1 and 17 more transcripts); c.1915dup, p.Arg639fs (NM_001323986.2); c.559dup, p.Arg187fs (NM_001324006.1, NM_001324007.1, NM_001324008.1 and 2 more transcripts); c.805dup, p.Arg269fs (NM_001324011.1); c.655dup, p.Arg219fs (NM_001324012.1, NM_001324013.1); short protein forms R187fs, R219fs, R269fs, R300fs, R547fs, R567fs, R639fs, R670fs.
Identifiers: ClinVar variation 2673968 (VCV002673968.1), dbSNP rs2533822595, ClinGen allele CA2695198759.

ClinVar aggregate classification (germline): Likely pathogenic (1 of 4 stars; one submission).

Conditions:
Hereditary diffuse gastric adenocarcinoma (HDGC). Also called: DIFFUSE GASTRIC AND LOBULAR BREAST CANCER SYNDROME. Identifiers: Orphanet 26106, MedGen C1708349, MONDO:0007648, OMIM 137215.

Submission:

Myriad Genetics, Inc.
Classification: Likely pathogenic for Hereditary diffuse gastric adenocarcinoma. Last evaluated: 2023-11-20. Review status: criteria provided, single submitter. Criteria: Myriad Autosomal Dominant, Autosomal Recessive and X-Linked Classification Criteria (2023). Collection method: clinical testing. Allele origin: unknown.
Comment: This variant is considered likely pathogenic. This variant creates a frameshift predicted to result in premature protein truncation.